The following is an entry in ClinVar:

ClinVar aggregate classification (germline): Benign. Review status: criteria provided, multiple submitters, no conflicts (2 of 4 stars). 2 submissions from 2 submitters: Benign (2). Last evaluated 2024-03-14.

Conditions:
Familial acute necrotizing encephalopathy (IIAE3). Also called: ENCEPHALOPATHY, ACUTE, INFECTION-INDUCED, SUSCEPTIBILITY TO, 3; Susceptibility to Acute Necrotizing Encephalopathy 1. Identifiers: Orphanet 88619, MedGen C2675556, MONDO:0011953, OMIM 608033.

Allele frequency attached by ClinVar (database versions not stated): gnomAD exomes 0.00330; ExAC 0.00411; 1000 Genomes Project 0.01218; ESP Exome Variant Server 0.01293; gnomAD 0.01316 and 0.01429; 1000 Genomes Project 30x 0.01327; TOPMed 0.01545.
gnomAD v4.1: 3,983 of 1,608,862 alleles (0.25%); highest among the groups gnomAD compares: African/African-American, 4.8%; 82 homozygotes.

Submissions (2):

Labcorp Genetics (formerly Invitae), Labcorp
Classification: Benign for Familial acute necrotizing encephalopathy. Last evaluated: 2024-03-14. Review status: criteria provided, single submitter. Criteria: Invitae Variant Classification Sherloc (09022015). Collection method: clinical testing. Allele origin: germline.

GeneDx
Classification: Benign. Last evaluated: 2016-11-07. Review status: criteria provided, single submitter. Criteria: GeneDx Variant Classification (06012015). Collection method: clinical testing. Allele origin: germline. Affected: yes.
Comment: This variant is considered likely benign or benign based on one or more of the following criteria: it is a conservative change, it occurs at a poorly conserved position in the protein, it is predicted to be benign by multiple in silico algorithms, and/or has population frequency not consistent with disease.

NM_006267.5(RANBP2):c.1064-13A>T

Gene: RANBP2 (RAN binding protein 2; plus strand). Cytogenetic location: 2q13.
Variant type: single nucleotide variant.
Coding change: c.1064-13A>T on transcript NM_006267.5 (MANE Select); 13 bases into the intron before coding-DNA position 1064, A replaced by T.
Molecular consequence: intron variant.
Genome position (GRCh38, 1-based): chr2:108,748,907, A>T. VCF-style: chr2-108748907-A-T. GRCh37 (hg19) VCF-style: chr2-109365363-A-T.
Identifiers: ClinVar variation 381858 (VCV000381858.8), dbSNP rs192629843, ClinGen allele CA1822211.
Genomic context (GRCh38, chr2:108,748,907, plus strand): 5'-ACAAATGAGACAACGTGAGCAAATACAATCTGTAATTTTAAAGTGATGGAAATAACTTAA[A>T]TTTTTTTTTCAGGGCACATGTTGCTAAACTTAAGTCGTGGCAAGCAAGATTTTTTAAAAG-3'